The following is an entry in ClinVar:

ClinVar aggregate classification (germline): Uncertain significance (1 of 4 stars; one submission).

Conditions:
Werner syndrome (WRN). Identifiers: Orphanet 902, MedGen C0043119, MONDO:0010196, OMIM 277700.

Allele frequency attached by ClinVar (database versions not stated): gnomAD exomes 0.00002; TOPMed 0.00002; gnomAD 0.00003.
gnomAD v4.1: 32 of 1,613,540 alleles (0.002%); highest among the groups gnomAD compares: Non-Finnish European, 0.0026%; no homozygotes.

Submission:

Labcorp Genetics (formerly Invitae), Labcorp
Classification: Uncertain significance for Werner syndrome. Last evaluated: 2025-09-23. Review status: criteria provided, single submitter. Criteria: Invitae Variant Classification Sherloc (09022015). Collection method: clinical testing. Allele origin: germline.
Comment: This sequence change replaces threonine, which is neutral and polar, with isoleucine, which is neutral and non-polar, at codon 215 of the WRN protein (p.Thr215Ile). This variant is present in population databases (no rsID available, gnomAD 0.004%). This variant has not been reported in the literature in individuals affected with WRN-related conditions. ClinVar contains an entry for this variant (Variation ID: 577540). An algorithm developed to predict the effect of missense changes on protein structure and function outputs the following: PolyPhen-2: "Probably Damaging". The isoleucine amino acid residue is found in multiple mammalian species, which suggests that this missense change does not adversely affect protein function. In summary, the available evidence is currently insufficient to determine the role of this variant in disease. Therefore, it has been classified as a Variant of Uncertain Significance.

NM_000553.6(WRN):c.644C>T (p.Thr215Ile)

Gene: WRN (WRN RecQ like helicase; plus strand). Cytogenetic location: 8p12.
Variant type: single nucleotide variant.
Coding change: c.644C>T on transcript NM_000553.6 (MANE Select); coding-DNA position 644, C replaced by T.
Protein change: p.Thr215Ile; replaces threonine 215 with isoleucine.
Molecular consequence: missense variant.
Genome position (GRCh38, 1-based): chr8:31,067,172, C>T. VCF-style: chr8-31067172-C-T. GRCh37 (hg19) VCF-style: chr8-30924688-C-T.
Other names: short protein forms T215I.
Identifiers: ClinVar variation 577540 (VCV000577540.8), dbSNP rs1160440215, ClinGen allele CA370916412.